The following is an entry in ClinVar:

ClinVar aggregate classification (germline): Uncertain significance (1 of 4 stars; one submission).

Allele frequency attached by ClinVar (database versions not stated): TOPMed 0.00001.
gnomAD v4.1: 2 of 1,536,110 alleles (0.00013%); highest among the groups gnomAD compares: Non-Finnish European, 0.00017%; no homozygotes.

Submission:

Labcorp Genetics (formerly Invitae), Labcorp
Classification: Uncertain significance. Last evaluated: 2021-05-05. Review status: criteria provided, single submitter. Criteria: Invitae Variant Classification Sherloc (09022015). Collection method: clinical testing. Allele origin: germline.
Comment: In summary, the available evidence is currently insufficient to determine the role of this variant in disease. Therefore, it has been classified as a Variant of Uncertain Significance. Algorithms developed to predict the effect of missense changes on protein structure and function are either unavailable or do not agree on the potential impact of this missense change (SIFT: "Deleterious"; PolyPhen-2: "Not Available"; Align-GVGD: "Class C0"). This variant has not been reported in the literature in individuals with PDZD7-related conditions. The frequency data for this variant in the population databases is considered unreliable, as metrics indicate insufficient coverage at this position in the ExAC database. This sequence change replaces proline with histidine at codon 820 of the PDZD7 protein (p.Pro820His). The proline residue is weakly conserved and there is a moderate physicochemical difference between proline and histidine.

NM_001195263.2(PDZD7):c.2459C>A (p.Pro820His)

Gene: PDZD7 (PDZ domain containing 7; minus strand). Cytogenetic location: 10q24.31.
Variant type: single nucleotide variant.
Coding change: c.2459C>A on transcript NM_001195263.2 (MANE Select); coding-DNA position 2459, C replaced by A.
Protein change: p.Pro820His; replaces proline 820 with histidine.
Molecular consequence: missense variant.
Genome position (GRCh38, 1-based): chr10:101,010,430, G>T on the plus strand (C>A on the coding strand, the complement: PDZD7 is on the minus strand). VCF-style: chr10-101010430-G-T. GRCh37 (hg19) VCF-style: chr10-102770187-G-T.
Other names: short protein forms P820H.
Identifiers: ClinVar variation 1351569 (VCV001351569.8), dbSNP rs1365350808, ClinGen allele CA378224121.